The following is an entry in ClinVar:

ClinVar aggregate classification (germline): Uncertain significance. Review status: criteria provided, multiple submitters, no conflicts (2 of 4 stars). 3 submissions from 3 submitters: Uncertain significance (3). Last evaluated 2025-10-27.

Conditions:
Pontocerebellar hypoplasia type 1A (PCH1A). Also called: PONTOCEREBELLAR HYPOPLASIA WITH ANTERIOR HORN CELL DISEASE; PONTOCEREBELLAR HYPOPLASIA WITH INFANTILE SPINAL MUSCULAR ATROPHY. Identifiers: Orphanet 2254, Orphanet 88616, MedGen C1843504, MONDO:0011866, OMIM 607596.

Allele frequency attached by ClinVar (database versions not stated): ExAC 0.00001; gnomAD 0.00001; gnomAD exomes 0.00001; TOPMed 0.00004.
gnomAD v4.1: 68 of 1,613,262 alleles (0.0042%); highest among the groups gnomAD compares: Non-Finnish European, 0.0057%; no homozygotes.

Submissions (3):

Myriad Genetics, Inc.
Classification: Uncertain significance for Pontocerebellar hypoplasia type 1A. Last evaluated: 2025-10-27. Review status: criteria provided, single submitter. Criteria: Myriad Autosomal Dominant, Autosomal Recessive and X-Linked Classification Criteria (2023). Collection method: clinical testing. Allele origin: unknown.
Comment: NM_003384.2(VRK1):c.7C>T(R3C) is a missense variant classified as a variant of uncertain significance in the context of pontocerebellar hypoplasia, VRK1-related. R3C has been observed in a case with relevant disease (PMID: Ajit_2023_Article). Relevant functional assessments of this variant are not available in the literature. R3C has been observed in referenced population frequency databases. In summary, there is insufficient evidence to classify NM_003384.2(VRK1):c.7C>T(R3C) as pathogenic or benign. Please note: this variant was assessed in the context of healthy population screening.

Labcorp Genetics (formerly Invitae), Labcorp
Classification: Uncertain significance for Pontocerebellar hypoplasia type 1A. Last evaluated: 2025-02-19. Review status: criteria provided, single submitter. Criteria: Invitae Variant Classification Sherloc (09022015). Collection method: clinical testing. Allele origin: germline.
Comment: This sequence change replaces arginine, which is basic and polar, with cysteine, which is neutral and slightly polar, at codon 3 of the VRK1 protein (p.Arg3Cys). This variant is present in population databases (rs747692654, gnomAD 0.003%). This variant has not been reported in the literature in individuals affected with VRK1-related conditions. ClinVar contains an entry for this variant (Variation ID: 1044639). An algorithm developed to predict the effect of missense changes on protein structure and function (PolyPhen-2) suggests that this variant is likely to be disruptive. In summary, the available evidence is currently insufficient to determine the role of this variant in disease. Therefore, it has been classified as a Variant of Uncertain Significance.

Women's Health and Genetics/Laboratory Corporation of America, LabCorp
Classification: Uncertain significance. Last evaluated: 2024-04-23. Review status: criteria provided, single submitter. Criteria: LabCorp Variant Classification Summary - May 2015. Collection method: clinical testing. Allele origin: germline.
Comment: Variant summary: VRK1 c.7C>T (p.Arg3Cys) results in a non-conservative amino acid change in the encoded protein sequence. Four of five in-silico tools predict a damaging effect of the variant on protein function. The variant allele was found at a frequency of 1.2e-05 in 250888 control chromosomes. The available data on variant occurrences in the general population are insufficient to allow any conclusion about variant significance. c.7C>T has been reported in the literature in settings of WES in individuals affected with neurological disorders including sensory-motor neuropathy, without strong evidence for causality (e.g. O Brien_2022, Karthika Ajit_2023). To our knowledge, no occurrence of c.7C>T in individuals affected with Pontocerebellar Hypoplasia, Type 1A and no experimental evidence demonstrating its impact on protein function have been reported. The following publications have been ascertained in the context of this evaluation (PMID: 34906498, DOI 10.1111/ncn3.12694).ClinVar contains an entry for this variant (Variation ID: 1044639). Based on the evidence outlined above, the variant was classified as uncertain significance.

Literature cited by the submitters: PubMed 34906498 (cited by Women's Health and Genetics/Laboratory Corporation of America, LabCorp).

NM_003384.3(VRK1):c.7C>T (p.Arg3Cys)

Gene: VRK1 (VRK serine/threonine kinase 1; plus strand). Cytogenetic location: 14q32.2.
Variant type: single nucleotide variant.
Coding change: c.7C>T on transcript NM_003384.3 (MANE Select); coding-DNA position 7, C replaced by T.
Protein change: p.Arg3Cys; replaces arginine 3 with cysteine.
Molecular consequence: missense variant.
Genome position (GRCh38, 1-based): chr14:96,833,478, C>T. VCF-style: chr14-96833478-C-T. GRCh37 (hg19) VCF-style: chr14-97299815-C-T.
Other names: short protein forms R3C.
Identifiers: ClinVar variation 1044639 (VCV001044639.12), dbSNP rs747692654, ClinGen allele CA7338833.